The following continues an entry in ClinVar:

NM_007294.4(BRCA1):c.5165C>A (p.Ser1722Tyr)

Gene: BRCA1. ClinVar aggregate classification (germline): Uncertain significance. Uncertain significance (1).

Submissions 6 to 9 of 9:

Color Diagnostics, LLC DBA Color Health
Classification: Uncertain significance for Hereditary cancer-predisposing syndrome. Last evaluated: 2024-04-10. Review status: criteria provided, single submitter. Criteria: ACMG Guidelines, 2015. Collection method: clinical testing. Allele origin: germline. Not counted in ClinVar's aggregate classification.
Comment: This missense variant replaces serine with tyrosine at codon 1722 of the BRCA1 protein. Computational prediction suggests that this variant may have deleterious impact on protein structure and function. This variant has been reported as intermediately functional in a haploid cell proliferation assay (PMID: 30209399). Another study has reported that this variant does not impact homology-directed repair, but the bacterially expressed protein were also found to be insoluble (PMID: 30257991). Overall, the functional findings are inconclusive. This variant has been detected in two individuals affected with ovarian cancer (PMID: 33078592; Color internal data) and in a breast cancer case-control meta-analysis in 1/60466 cases and 0/53461 unaffected individuals (PMID: 33471991; Leiden Open Variation Database DB-ID BRCA1_000691). A multifactoral analysis has reported likelihood ratios for pathogenicity based on segregation and tumor pathology of 4.8424 and 0.16, respectively (PMID: 31131967). A similar mutation, p.Ser1722Phe, has been reported as (likely) disease-causing in ClinVar (variation ID: 55441). This variant has not been identified in the general population by the Genome Aggregation Database (gnomAD). The available evidence is insufficient to determine the role of this variant in disease conclusively. Therefore, this variant is classified as a Variant of Uncertain Significance.

Labcorp Genetics (formerly Invitae), Labcorp
Classification: Likely pathogenic for Hereditary breast ovarian cancer syndrome. Last evaluated: 2023-03-10. Review status: criteria provided, single submitter. Criteria: Invitae Variant Classification Sherloc (09022015). Collection method: clinical testing. Allele origin: germline. Not counted in ClinVar's aggregate classification.
Comment: Experimental studies are conflicting or provide insufficient evidence to determine the effect of this variant on BRCA1 function (PMID: 30209399). In summary, the currently available evidence indicates that the variant is pathogenic, but additional data are needed to prove that conclusively. Therefore, this variant has been classified as Likely Pathogenic. This variant disrupts the p.Ser1722 amino acid residue in BRCA1. Other variant(s) that disrupt this residue have been determined to be pathogenic (PMID: 12496477, 20516115, 25085752). This suggests that this residue is clinically significant, and that variants that disrupt this residue are likely to be disease-causing. Advanced modeling performed at Invitae incorporating data from internal and/or published experimental studies (PMID: 30209399) indicates that this missense variant is expected to disrupt BRCA1 function. ClinVar contains an entry for this variant (Variation ID: 491098). This variant has not been reported in the literature in individuals affected with BRCA1-related conditions. This variant is not present in population databases (gnomAD no frequency). This sequence change replaces serine, which is neutral and polar, with tyrosine, which is neutral and polar, at codon 1722 of the BRCA1 protein (p.Ser1722Tyr).

MGZ Medical Genetics Center
Classification: Likely pathogenic for Breast-ovarian cancer, familial, susceptibility to, 1. Last evaluated: 2022-08-10. Review status: criteria provided, single submitter. Criteria: ACMG Guidelines, 2015. Collection method: clinical testing. Allele origin: germline. Affected: yes. Observed: 2 variant alleles. Not counted in ClinVar's aggregate classification.
Comment: ACMG criteria applied: PM1, PM5, PM2_SUP, PP3

Brotman Baty Institute, University of Washington
No classification provided (evidence only). Condition: Breast-ovarian cancer, familial 1. Review status: no classification provided. Collection method: in vitro. Allele origin: not applicable. Functional consequence: function_uncertain_variant. Not counted in ClinVar's aggregate classification.
ClinVar note: "not provided" was previously submitted as the classification for the variant. However, the classification appeared to be based only on an observation of functional data so it was converted to no classification on 2025-07-30.

Literature cited by the submitters: PubMed 26778126 (cited by Ambry Genetics); PubMed 30209399 (cited by 5 submitters); PubMed 30257991 (cited by 4 submitters); PubMed 33471991 (cited by 4 submitters); PubMed 33078592 (cited by 3 submitters); PubMed 31131967 (cited by 3 submitters); PubMed 32377563 (cited by Quest Diagnostics Nichols Institute San Juan Capistrano); PubMed 35729312 (cited by Quest Diagnostics Nichols Institute San Juan Capistrano); PubMed 35979650 (cited by Quest Diagnostics Nichols Institute San Juan Capistrano); PubMed 37310942 (cited by Quest Diagnostics Nichols Institute San Juan Capistrano); PubMed 33087888 (cited by Quest Diagnostics Nichols Institute San Juan Capistrano); PubMed 29884841 (cited by Quest Diagnostics Nichols Institute San Juan Capistrano); PubMed 12496477 (cited by Labcorp Genetics (formerly Invitae), Labcorp); PubMed 20516115 (cited by Labcorp Genetics (formerly Invitae), Labcorp); PubMed 25085752 (cited by Labcorp Genetics (formerly Invitae), Labcorp).